The following is an entry in ClinVar:

NM_000218.3(KCNQ1):c.484G>A (p.Val162Met)

Gene: KCNQ1 (potassium voltage-gated channel subfamily Q member 1; plus strand). Cytogenetic location: 11p15.5.
Variant type: single nucleotide variant.
Coding change: c.484G>A on transcript NM_000218.3 (MANE Select); coding-DNA position 484, G replaced by A.
Protein change: p.Val162Met; replaces valine 162 with methionine.
Molecular consequence: missense variant.
Genome position (GRCh38, 1-based): chr11:2,570,634, G>A. VCF-style: chr11-2570634-G-A. GRCh37 (hg19) VCF-style: chr11-2591864-G-A.
Other names: p.V162M:GTG>ATG; c.484G>A (LRG_287t1); c.484G>A, p.Val162Met (NM_001406836.1); c.214G>A, p.Val72Met (NM_001406837.1); c.103G>A, p.Val35Met (NM_181798.2); short protein forms V162M, V35M, V72M.
Identifiers: ClinVar variation 67077 (VCV000067077.26), dbSNP rs199472692, ClinGen allele CA007224.

ClinVar aggregate classification (germline): Uncertain significance. Review status: criteria provided, multiple submitters, no conflicts (2 of 4 stars). 8 submissions from 8 submitters: Uncertain significance (7). 1 of the submissions does not count toward it. Last evaluated 2026-04-28.

Conditions:
Cardiovascular phenotype. Identifiers: MedGen CN230736.
Cardiac arrhythmia. Also called: Arrhythmia; Cardiac rhythm disease. Identifiers: MedGen C0003811, MONDO:0007263, HP:0011675.
Familial long QT syndrome (RWS). Also called: Congenital long QT syndrome; Romano-Ward syndrome; VENTRICULAR FIBRILLATION WITH PROLONGED QT INTERVAL. Identifiers: Orphanet 768, MedGen C1141890, MONDO:0019171.
Long QT syndrome (LQTS). Identifiers: MedGen C0023976, MeSH D008133, MONDO:0002442. Disease mechanism: loss of function. Inheritance: Various modes of inheritance.

Allele frequency attached by ClinVar (database versions not stated): gnomAD 0.00003; gnomAD exomes 0.00002; TOPMed 0.00002; ExAC 0.00002.
gnomAD v4.1: 33 of 1,612,472 alleles (0.002%); highest among the groups gnomAD compares: Non-Finnish European, 0.0025%; no homozygotes.

Submissions (8):

Ambry Genetics
Classification: Uncertain significance for Cardiovascular phenotype. Last evaluated: 2026-04-28. Review status: criteria provided, single submitter. Criteria: Ambry Variant Classification Scheme 2023. Collection method: clinical testing. Allele origin: germline.
Comment: The c.484G>A (p.V162M) alteration is located in exon 3 (coding exon 3) of the KCNQ1 gene. This alteration results from a G to A substitution at nucleotide position 484, causing the valine (V) at amino acid position 162 to be replaced by a methionine (M). Based on data from gnomAD, the A allele has an overall frequency of 0.002% (6/280908) total alleles studied. The highest observed frequency was 0.005% (6/128190) of European (non-Finnish) alleles. This variant failed to segregate with disease in an LQTS family; however, the family was also segregating the p.S55L variant in KCNH2 (Kroncke, 2018). This amino acid position is well conserved in available vertebrate species. Functional studies disagree on the impact of this variant, with one study indicating an increase in potassium current density, one detecting a decrease in potassium current density, and one suggesting this alteration has no impact on KCNQ1 function (Barajas-Martinez, 2008; Kroncke, 2018; Vanoye, 2018). This alteration is predicted to be deleterious by in silico analysis. Based on insufficient or conflicting evidence, the clinical significance of this alteration remains unclear.

Labcorp Genetics (formerly Invitae), Labcorp
Classification: Uncertain significance for Long QT syndrome. Last evaluated: 2026-01-07. Review status: criteria provided, single submitter. Criteria: Invitae Variant Classification Sherloc (09022015). Collection method: clinical testing. Allele origin: germline.
Comment: This sequence change replaces valine, which is neutral and non-polar, with methionine, which is neutral and non-polar, at codon 162 of the KCNQ1 protein (p.Val162Met). This variant is present in population databases (rs199472692, gnomAD 0.005%). This missense change has been observed in individual(s) with Long QT syndrome (PMID: 29330128). ClinVar contains an entry for this variant (Variation ID: 67077). Invitae Evidence Modeling of protein sequence and biophysical properties (such as structural, functional, and spatial information, amino acid conservation, physicochemical variation, residue mobility, and thermodynamic stability) has been performed for this missense variant. However, the output from this modeling did not meet the statistical confidence thresholds required to predict the impact of this variant on KCNQ1 protein function. Experimental studies are conflicting or provide insufficient evidence to determine the effect of this variant on KCNQ1 function (PMID: 29330128, 30571187). In summary, the available evidence is currently insufficient to determine the role of this variant in disease. Therefore, it has been classified as a Variant of Uncertain Significance.

All of Us Research Program, National Institutes of Health
Classification: Uncertain significance for Long QT syndrome. Last evaluated: 2024-09-16. Review status: criteria provided, single submitter. Criteria: ACMG Guidelines, 2015. Collection method: clinical testing. Allele origin: germline. Inheritance: Autosomal dominant inheritance. Observed: 12 variant alleles, 12 heterozygotes.
Comment: This missense variant replaces valine with methionine at codon 162 of the KCNQ1 protein. Computational prediction suggests that this variant may have deleterious impact on protein structure and function (internally defined REVEL score threshold >= 0.7, PMID: 27666373). An experimental study has shown that this variant does not affect channel function (PMID: 29330128). This variant has been reported in an individual referred for long QT genetic testing (PMID: 19716085). In a family affected with long QT syndrome, this variant did not segregate with disease, while a different variant in the KCNH2 gene segregated with disease in the family (PMID: 29330128). This variant has been identified in 6/280908 chromosomes in the general population by the Genome Aggregation Database (gnomAD). The available evidence is insufficient to determine the role of this variant in disease conclusively. Therefore, this variant is classified as a Variant of Uncertain Significance.

This study involves interpretation of variants in research participants for the purpose of population health screening. Participant phenotype was not available at the time of variant classification. Additional details can be found in publication PMID: 35346344, PMCID: PMC8962531

Color Diagnostics, LLC DBA Color Health
Classification: Uncertain significance for Cardiac arrhythmia. Last evaluated: 2024-07-26. Review status: criteria provided, single submitter. Criteria: ACMG Guidelines, 2015. Collection method: clinical testing. Allele origin: germline.
Comment: This missense variant replaces valine with methionine at codon 162 of the KCNQ1 protein. Computational prediction suggests that this variant may have deleterious impact on protein structure and function. A functional study has shown that this variant does not affect channel function (PMID: 29330128). This variant has been reported in an individual suspected of having long QT syndrome (PMID: 19716085). In a family affected with long QT syndrome, this variant did not segregate with disease, while a different variant in the KCNH2 gene segregated with disease in the family (PMID: 29330128). This variant has been identified in 6/280908 chromosomes in the general population by the Genome Aggregation Database (gnomAD). The available evidence is insufficient to determine the role of this variant in disease conclusively. Therefore, this variant is classified as a Variant of Uncertain Significance.

GeneDx
Classification: Uncertain significance. Last evaluated: 2019-04-02. Review status: criteria provided, single submitter. Criteria: GeneDx Variant Classification Process June 2021. Collection method: clinical testing. Allele origin: germline. Affected: yes.
Comment: Reported in one individual referred for LQTS genetic testing and was not observed in more than 2,600 reference alleles (Kapplinger et al., 2009); In silico analysis, which includes protein predictors and evolutionary conservation, supports that this variant does not alter protein structure/function; This variant is associated with the following publications: (PMID: 22581653, 19716085, 19841300, 29330128, 30571187)

Laboratory for Molecular Medicine, Mass General Brigham Personalized Medicine
Classification: Uncertain significance. Last evaluated: 2016-03-31. Review status: criteria provided, single submitter. Criteria: LMM Criteria. Collection method: clinical testing. Allele origin: germline.
Comment: Variant identified in a genome or exome case(s) and assessed due to predicted null impact of the variant or pathogenic assertions in the literature or databases. Disclaimer: This variant has not undergone full assessment. ClinVar: 1 Pathogenic

Stanford Center for Inherited Cardiovascular Disease, Stanford University
Classification: Uncertain significance. Last evaluated: 2014-02-10. Review status: criteria provided, single submitter. Criteria: ACMG Guidelines, 2015. Collection method: provider interpretation. Allele origin: germline.

Cardiovascular Biomedical Research Unit, Royal Brompton & Harefield NHS Foundation Trust
No classification provided. Condition: Familial long QT syndrome. Review status: no classification provided. Collection method: literature only. Allele origin: germline. Not counted in ClinVar's aggregate classification.
Comment: This variant has been reported as associated with Long QT syndrome in the following publications (PMID:19716085). This is a literature report, and does not necessarily reflect the clinical interpretation of the Imperial College / Royal Brompton Cardiovascular Genetics laboratory.

Literature cited by the submitters: PubMed 19716085 (cited by 4 submitters); PubMed 29330128 (cited by 4 submitters); PubMed 30571187 (cited by Ambry Genetics and Labcorp Genetics (formerly Invitae), Labcorp); PubMed 22581653 (cited by Cardiovascular Biomedical Research Unit, Royal Brompton & Harefield NHS Foundation Trust).